The following is an entry in ClinVar:

NM_001009944.3(PKD1):c.1584C>A (p.Tyr528Ter)

Gene: PKD1 (polycystin 1, transient receptor potential channel interacting; minus strand). Cytogenetic location: 16p13.3.
Variant type: single nucleotide variant.
Coding change: c.1584C>A on transcript NM_001009944.3 (MANE Select); coding-DNA position 1584, C replaced by A.
Protein change: p.Tyr528Ter; replaces tyrosine 528 with a stop codon.
Molecular consequence: nonsense.
Genome position (GRCh38, 1-based): chr16:2,116,855, G>T on the plus strand (C>A on the coding strand, the complement: PKD1 is on the minus strand). VCF-style: chr16-2116855-G-T. GRCh37 (hg19) VCF-style: chr16-2166856-G-T.
Other names: c.1584C>A, p.Tyr528Ter (NM_000296.4); short protein forms Y528*.
Identifiers: ClinVar variation 522520 (VCV000522520.4), dbSNP rs1401015526, ClinGen allele CA394391697.

ClinVar aggregate classification (germline): Pathogenic. Review status: criteria provided, single submitter (1 of 4 stars). 2 submissions from 2 submitters: Pathogenic (1). 1 of the submissions does not count toward it. Last evaluated 2025-03-18.

Conditions:
Polycystic kidney disease, adult type (PKD1). Also called: POLYCYSTIC KIDNEY DISEASE 1 WITH OR WITHOUT POLYCYSTIC LIVER DISEASE; Polycystic Kidney, Autosomal Dominant; POLYCYSTIC KIDNEY DISEASE, ADULT, TYPE I; Polycystic Kidney Disease 1, Autosomal Dominant; Polycystic kidney disease 1; Polycystic kidney disease 1, severe. Identifiers: MedGen C3149841, MONDO:0008263, OMIM 173900.

Allele frequency attached by ClinVar (database versions not stated): TOPMed below 0.00001.

Submissions (2):

GeneDx
Classification: Pathogenic. Last evaluated: 2025-03-18. Review status: criteria provided, single submitter. Criteria: GeneDx Variant Classification Process June 2021. Collection method: clinical testing. Allele origin: germline.
Comment: Nonsense variant predicted to result in protein truncation or nonsense mediated decay in a gene for which loss of function is a known mechanism of disease; Not observed at significant frequency in large population cohorts (gnomAD); This variant is associated with the following publications: (PMID: 33774617, 32398770)

Bioscientia Institut fuer Medizinische Diagnostik GmbH, Sonic Healthcare
Classification: Pathogenic for Polycystic kidney disease, adult type. Last evaluated: 2017-10-13. Review status: no assertion criteria provided. Collection method: clinical testing. Allele origin: germline. Affected: yes. Not counted in ClinVar's aggregate classification.